The following is an entry in ClinVar:

NM_000052.7(ATP7A):c.2170C>G (p.Gln724Glu)

Gene: ATP7A (ATPase copper transporting alpha; plus strand). Cytogenetic location: Xq21.1.
Variant type: single nucleotide variant.
Coding change: c.2170C>G on transcript NM_000052.7 (MANE Select); coding-DNA position 2170, C replaced by G.
Protein change: p.Gln724Glu; replaces glutamine 724 with glutamic acid.
Molecular consequence: missense variant.
Genome position (GRCh38, 1-based): chrX:78,011,672, C>G. VCF-style: chrX-78011672-C-G. GRCh37 (hg19) VCF-style: chrX-77267169-C-G.
Other names: c.2170C>G, p.Gln724Glu (NM_001282224.2); short protein forms Q724E.
Identifiers: ClinVar variation 2935004 (VCV002935004.3), dbSNP rs2522350713, ClinGen allele CA413598569.
Genomic context (GRCh38, chrX:78,011,672, plus strand): 5'-CAGATTCTTCCAGGATTGTCTGTTATGAATTTGCTGTCCTTTTTATTGTGTGTACCTGTA[C>G]AGGCAAGTGAATTGTTAGCAAATATATTTGTTAATAATAAAAAATAAGCAAAATTTGGCA-3'
Protein context (NP_000043.4, residues 714-734): LLSFLLCVPV[Gln724Glu]FFGGWYFYIQ

ClinVar aggregate classification (germline): Uncertain significance (1 of 4 stars; one submission).

Conditions:
Menkes kinky-hair syndrome (MNK). Also called: Copper transport disease; Menkes Disease; Classic Menkes Disease. Identifiers: Orphanet 565, MedGen C0022716, MONDO:0010651, OMIM 309400.
Cutis laxa, X-linked (OHS). Also called: EDS IX; Occipital horn syndrome. Identifiers: Orphanet 198, MedGen C0268353, MONDO:0010572, OMIM 304150.
X-linked distal spinal muscular atrophy type 3. Also called: ATP7A-Related Distal Motor Neuropathy; SPINAL MUSCULAR ATROPHY, DISTAL, X-LINKED RECESSIVE; NEURONOPATHY, DISTAL HEREDITARY MOTOR, X-LINKED; NEUROPATHY, DISTAL HEREDITARY MOTOR, X-LINKED. Identifiers: Orphanet 139557, MedGen C1845359, MONDO:0010338, OMIM 300489.

Submission:

Labcorp Genetics (formerly Invitae), Labcorp
Classification: Uncertain significance for X-linked distal spinal muscular atrophy type 3; Cutis laxa, X-linked; Menkes kinky-hair syndrome. Last evaluated: 2023-07-14. Review status: criteria provided, single submitter. Criteria: Invitae Variant Classification Sherloc (09022015). Collection method: clinical testing. Allele origin: germline.
Comment: In summary, the available evidence is currently insufficient to determine the role of this variant in disease. Therefore, it has been classified as a Variant of Uncertain Significance. An algorithm developed to predict the effect of missense changes on protein structure and function (PolyPhen-2) suggests that this variant is likely to be tolerated. This variant has not been reported in the literature in individuals affected with ATP7A-related conditions. This variant is not present in population databases (gnomAD no frequency). This sequence change replaces glutamine, which is neutral and polar, with glutamic acid, which is acidic and polar, at codon 724 of the ATP7A protein (p.Gln724Glu).